The following is an entry in ClinVar:

NM_002246.3(KCNK3):c.826G>T (p.Gly276Cys)

Gene: KCNK3 (potassium two pore domain channel subfamily K member 3; plus strand). Cytogenetic location: 2p23.3.
Variant type: single nucleotide variant.
Coding change: c.826G>T on transcript NM_002246.3 (MANE Select); coding-DNA position 826, G replaced by T.
Protein change: p.Gly276Cys; replaces glycine 276 with cysteine.
Molecular consequence: missense variant.
Genome position (GRCh38, 1-based): chr2:26,728,209, G>T. VCF-style: chr2-26728209-G-T. GRCh37 (hg19) VCF-style: chr2-26951077-G-T.
Other names: short protein forms G276C.
Identifiers: ClinVar variation 2104013 (VCV002104013.4), dbSNP rs986931065, ClinGen allele CA346262847.
Genomic context (GRCh38, chr2:26,728,209, plus strand): 5'-CGCGACGCCGAGCACCGCGCGCTGCTCACGCGCAACGGGCAGGCGGGCGGCGGCGGAGGG[G>T]GTGGCAGCGCGCACACTACGGACACCGCCTCATCCACGGCGGCAGCGGGCGGCGGCGGCT-3'
Protein context (NP_002237.1, residues 266-286): RNGQAGGGGG[Gly276Cys]GSAHTTDTAS

ClinVar aggregate classification (germline): Uncertain significance (1 of 4 stars; one submission).

Conditions:
Pulmonary hypertension, primary, 4. Identifiers: Orphanet 422, MedGen C3809198, MONDO:0014136, OMIM 615344.

gnomAD v4.1: 7 of 1,562,708 alleles (0.00045%); highest among the groups gnomAD compares: South Asian, 0.0081%; no homozygotes.

Submission:

Labcorp Genetics (formerly Invitae), Labcorp
Classification: Uncertain significance for Pulmonary hypertension, primary, 4. Last evaluated: 2025-02-05. Review status: criteria provided, single submitter. Criteria: Invitae Variant Classification Sherloc (09022015). Collection method: clinical testing. Allele origin: germline.
Comment: This sequence change replaces glycine, which is neutral and non-polar, with cysteine, which is neutral and slightly polar, at codon 276 of the KCNK3 protein (p.Gly276Cys). This variant is present in population databases (no rsID available, gnomAD 0.008%). This variant has not been reported in the literature in individuals affected with KCNK3-related conditions. ClinVar contains an entry for this variant (Variation ID: 2104013). Invitae Evidence Modeling of protein sequence and biophysical properties (such as structural, functional, and spatial information, amino acid conservation, physicochemical variation, residue mobility, and thermodynamic stability) indicates that this missense variant is not expected to disrupt KCNK3 protein function with a negative predictive value of 80%. In summary, the available evidence is currently insufficient to determine the role of this variant in disease. Therefore, it has been classified as a Variant of Uncertain Significance.